The following is an entry in ClinVar:

ClinVar aggregate classification (germline): Conflicting classifications of pathogenicity. Review status: criteria provided, conflicting classifications (1 of 4 stars). 13 submissions from 12 submitters: Uncertain significance (3); Likely benign (6). 4 of the submissions do not count toward it. Last evaluated 2026-09-01.

Conditions:
Long chain 3-hydroxyacyl-CoA dehydrogenase deficiency. Also called: Deficiency of long-chain 3-hydroxyacyl-coenzyme A dehydrogenase; LCHAD Deficiency. Identifiers: Orphanet 5, MedGen C3711645, MONDO:0012173, OMIM 609016.
Mitochondrial trifunctional protein deficiency. Identifiers: Orphanet 746, MedGen C1969443, MONDO:0012172.
HADHA-related disorder. Also called: HADHA-related condition; HADHA-related disorders.

Allele frequency attached by ClinVar (database versions not stated): TOPMed 0.00048; gnomAD exomes 0.00049 and 0.00072; gnomAD 0.00056 and 0.00058; ESP Exome Variant Server 0.00077; 1000 Genomes Project 0.00020; 1000 Genomes Project 30x 0.00031; ExAC 0.00035.
gnomAD v4.1: 1,130 of 1,613,992 alleles (0.07%); highest among the groups gnomAD compares: Non-Finnish European, 0.088%; 1 homozygote.

Submissions (13):

CeGaT Center for Human Genetics Tuebingen
Classification: Likely benign. Last evaluated: 2026-09-01. Review status: criteria provided, single submitter. Criteria: CeGaT Center For Human Genetics Tuebingen Variant Classification Criteria Version 2. Collection method: clinical testing. Allele origin: germline. Affected: yes. Observed: 13 variant alleles.
Comment: HADHA: BP4, BP7

Labcorp Genetics (formerly Invitae), Labcorp
Classification: Likely benign for Mitochondrial trifunctional protein deficiency; Long chain 3-hydroxyacyl-CoA dehydrogenase deficiency. Last evaluated: 2026-01-29. Review status: criteria provided, single submitter. Criteria: Invitae Variant Classification Sherloc (09022015). Collection method: clinical testing. Allele origin: germline.

Laboratory of Genetics, Children's Clinical University Hospital Latvia
Classification: Likely benign. Last evaluated: 2025-02-16. Review status: criteria provided, single submitter. Criteria: ACMG Guidelines, 2015. Collection method: clinical testing. Allele origin: germline. Affected: yes.

Blueprint Genetics
Classification: Likely benign. Last evaluated: 2024-11-25. Review status: criteria provided, single submitter. Criteria: ACMG Guidelines, 2015. Collection method: clinical testing. Allele origin: germline.

Mayo Clinic Laboratories, Mayo Clinic
Classification: Likely benign. Last evaluated: 2024-05-09. Review status: criteria provided, single submitter. Criteria: ACMG Guidelines, 2015. Collection method: clinical testing. Allele origin: germline. Observed: 3 variant alleles.
Comment: BP4, BP7

GeneDx
Classification: Likely benign. Last evaluated: 2021-10-23. Review status: criteria provided, single submitter. Criteria: GeneDx Variant Classification Process June 2021. Collection method: clinical testing. Allele origin: germline. Affected: yes.

Illumina Laboratory Services, Illumina
Classification: Uncertain significance for Long chain 3-hydroxyacyl-CoA dehydrogenase deficiency. Last evaluated: 2018-01-13. Review status: criteria provided, single submitter. Criteria: ICSL Variant Classification Criteria 13 December 2019. Collection method: clinical testing. Allele origin: germline.

Illumina Laboratory Services, Illumina
Classification: Uncertain significance for Mitochondrial trifunctional protein deficiency 1. Last evaluated: 2018-01-13. Review status: criteria provided, single submitter. Criteria: ICSL Variant Classification Criteria 13 December 2019. Collection method: clinical testing. Allele origin: germline.

Eurofins Ntd Llc (ga)
Classification: Uncertain significance. Last evaluated: 2017-08-16. Review status: criteria provided, single submitter. Criteria: EGL Classification Definitions 2015. Collection method: clinical testing. Allele origin: germline. Observed: 1 variant allele, 1 heterozygote.

Natera, Inc.
Classification: Likely benign for Deficiency of long-chain 3-hydroxyacyl-coenzyme A dehydrogenase. Last evaluated: 2020-05-02. Review status: no assertion criteria provided. Collection method: clinical testing. Allele origin: germline. Not counted in ClinVar's aggregate classification.

PreventionGenetics, part of Exact Sciences
Classification: Likely benign for HADHA-related condition. Last evaluated: 2019-12-19. Review status: no assertion criteria provided. Collection method: clinical testing. Allele origin: germline. Not counted in ClinVar's aggregate classification.
Comment: This variant is classified as likely benign based on ACMG/AMP sequence variant interpretation guidelines (Richards et al. 2015 PMID: 25741868, with internal and published modifications).

Clinical Genetics DNA and cytogenetics Diagnostics Lab, Erasmus MC, Erasmus Medical Center
Classification: Likely benign. Review status: no assertion criteria provided. Collection method: clinical testing. Allele origin: germline. Affected: yes. Study: VKGL Data-share Consensus. Not counted in ClinVar's aggregate classification.

Joint Genome Diagnostic Labs from Nijmegen and Maastricht, Radboudumc and MUMC+
Classification: Likely benign. Review status: no assertion criteria provided. Collection method: clinical testing. Allele origin: germline. Affected: yes. Study: VKGL Data-share Consensus. Not counted in ClinVar's aggregate classification.

NM_000182.5(HADHA):c.1212G>C (p.Val404=)

Genes: GAREM2 (GRB2 associated regulator of MAPK1 subtype 2; plus strand), HADHA (hydroxyacyl-CoA dehydrogenase trifunctional multienzyme complex subunit alpha; minus strand). Cytogenetic location: 2p23.3.
Variant type: single nucleotide variant.
Coding change: c.1212G>C on transcript NM_000182.5 (MANE Select); coding-DNA position 1212, G replaced by C.
Protein change: p.Val404=; no amino-acid change (valine 404 retained).
Molecular consequence: synonymous variant.
Genome position (GRCh38, 1-based): chr2:26,204,070, C>G on the plus strand (G>C on the coding strand, the complement: HADHA is on the minus strand). VCF-style: chr2-26204070-C-G. GRCh37 (hg19) VCF-style: chr2-26426939-C-G.
Other names: p.Val404=.
Identifiers: ClinVar variation 335381 (VCV000335381.69), dbSNP rs116396996, ClinGen allele CA1559642.
Genomic context (GRCh38, chr2:26,204,070, plus strand): 5'-ACCAAGAAACAAAGGACATTCTAACTCTTGCAAAGAGAGAGAGCAGGCTTACCCTTTGAA[C>G]ACTTGTTGCTGTCCTCGGTCTAGCGCAGTGAGGGTGGCATCTTTAAGTATAGTCTTTAGC-3'
Protein context (NP_000173.2, residues 394-414): LTALDRGQQQ[Val404=]FKGLNDKVKK